The following is an entry in ClinVar:

NM_033409.4(SLC52A3):c.95T>C (p.Met32Thr)

Gene: SLC52A3 (solute carrier family 52 member 3; minus strand). Cytogenetic location: 20p13.
Variant type: single nucleotide variant.
Coding change: c.95T>C on transcript NM_033409.4 (MANE Select); coding-DNA position 95, T replaced by C.
Protein change: p.Met32Thr; replaces methionine 32 with threonine.
Molecular consequence: missense variant.
Genome position (GRCh38, 1-based): chr20:765,680, A>G on the plus strand (T>C on the coding strand, the complement: SLC52A3 is on the minus strand). VCF-style: chr20-765680-A-G. GRCh37 (hg19) VCF-style: chr20-746324-A-G.
Other names: c.95T>C, p.Met32Thr (NM_001370085.1, NM_001370086.1); short protein forms M32T.
Identifiers: ClinVar variation 1389191 (VCV001389191.6), dbSNP rs1986661705, ClinGen allele CA407964553.

ClinVar aggregate classification (germline): Uncertain significance (1 of 4 stars; one submission).

Conditions:
Brown-Vialetto-van Laere syndrome 1. Also called: BROWN-VIALETTO-VAN LAERE SYNDROME 1, MILD; BULBAR PALSY, PROGRESSIVE, WITH SENSORINEURAL DEAFNESS; PONTOBULBAR PALSY WITH DEAFNESS. Identifiers: Orphanet 572550, Orphanet 97229, MedGen C0796274, MONDO:0024537, OMIM 211530.

Allele frequency attached by ClinVar (database versions not stated): TOPMed below 0.00001.

Submission:

Labcorp Genetics (formerly Invitae), Labcorp
Classification: Uncertain significance for Brown-Vialetto-van Laere syndrome 1. Last evaluated: 2023-08-30. Review status: criteria provided, single submitter. Criteria: Invitae Variant Classification Sherloc (09022015). Collection method: clinical testing. Allele origin: germline.
Comment: In summary, the available evidence is currently insufficient to determine the role of this variant in disease. Therefore, it has been classified as a Variant of Uncertain Significance. This sequence change replaces methionine, which is neutral and non-polar, with threonine, which is neutral and polar, at codon 32 of the SLC52A3 protein (p.Met32Thr). This variant is not present in population databases (gnomAD no frequency). This variant has not been reported in the literature in individuals affected with SLC52A3-related conditions. ClinVar contains an entry for this variant (Variation ID: 1389191). Advanced modeling of protein sequence and biophysical properties (such as structural, functional, and spatial information, amino acid conservation, physicochemical variation, residue mobility, and thermodynamic stability) performed at Invitae indicates that this missense variant is not expected to disrupt SLC52A3 protein function.